The following is an entry in ClinVar:

NM_000965.5(RARB):c.1210C>T (p.Gln404Ter)

Gene: RARB (retinoic acid receptor beta; plus strand). Cytogenetic location: 3p24.2.
Variant type: single nucleotide variant.
Coding change: c.1210C>T on transcript NM_000965.5 (MANE Select); coding-DNA position 1210, C replaced by T.
Protein change: p.Gln404Ter; replaces glutamine 404 with a stop codon.
Molecular consequence: nonsense. On other transcripts: non-coding transcript variant (2).
Genome position (GRCh38, 1-based): chr3:25,596,479, C>T. VCF-style: chr3-25596479-C-T. GRCh37 (hg19) VCF-style: chr3-25637970-C-T.
Other names: c.1231C>T, p.Gln411Ter (NM_001290216.3); c.874C>T, p.Gln292Ter (NM_001290217.2, NM_001290276.2, NM_016152.4); c.1063C>T, p.Gln355Ter (NM_001290266.2); c.1072C>T, p.Gln358Ter (NM_001290277.1); c.1081C>T, p.Gln361Ter (NM_001290300.2); short protein forms Q404*, Q292*, Q358*, Q355*, Q411*, Q361*.
Identifiers: ClinVar variation 809439 (VCV000809439.44), dbSNP rs1575553547, ClinGen allele CA351889185.

ClinVar aggregate classification (germline): Pathogenic/Likely pathogenic. Review status: criteria provided, multiple submitters, no conflicts (2 of 4 stars). 3 submissions from 3 submitters: Pathogenic (1); Likely pathogenic (2). Last evaluated 2022-04-25.

Conditions:
Microphthalmia, syndromic 12 (MCOPS12). Also called: MICROPHTHALMIA WITH OR WITHOUT PULMONARY HYPOPLASIA, DIAPHRAGMATIC HERNIA, AND/OR CARDIAC DEFECTS. Identifiers: Orphanet 2470, Orphanet 689829, MedGen C3809803, MONDO:0014229, OMIM 615524.

Submissions (3):

Institute of Human Genetics Munich, TUM University Hospital
Classification: Likely pathogenic for Microphthalmia, syndromic 12. Last evaluated: 2022-04-25. Review status: criteria provided, single submitter. Criteria: Classification criteria August 2017. Collection method: clinical testing. Allele origin: de novo. Inheritance: Autosomal dominant inheritance. Affected: yes. Observed: 1 variant allele.

Laboratory of Medical Genetics, National & Kapodistrian University of Athens
Classification: Pathogenic for Microphthalmia, syndromic 12. Last evaluated: 2022-01-13. Review status: criteria provided, single submitter. Criteria: ACMG Guidelines, 2015. Collection method: clinical testing. Allele origin: de novo. Affected: yes.
Comment: PVS1, PS2, PM2, PP3

CeGaT Center for Human Genetics Tuebingen
Classification: Likely pathogenic. Last evaluated: 2019-07-01. Review status: criteria provided, single submitter. Criteria: CeGaT Center For Human Genetics Tuebingen Variant Classification Criteria Version 2. Collection method: clinical testing. Allele origin: germline. Affected: yes. Observed: 2 variant alleles.